The following is an entry in ClinVar:

ClinVar aggregate classification (germline): Pathogenic. Review status: criteria provided, multiple submitters, no conflicts (2 of 4 stars). 4 submissions from 4 submitters: Pathogenic (4). Last evaluated 2026-09-08.

Conditions:
Fabry disease. Also called: CERAMIDE TRIHEXOSIDASE DEFICIENCY; GLA DEFICIENCY; HEREDITARY DYSTOPIC LIPIDOSIS; Ceramide trihexosidosis; Fabry's disease; ALPHA-GALACTOSIDASE A DEFICIENCY. Identifiers: Orphanet 324, MedGen C0002986, MONDO:0010526, OMIM 301500, HP:0001071. Disease mechanism: loss of function, Fabry disease is due to inactivating mutations in the X-linked GLA gene resulting in deficiency of the enzyme Alpha Galactosidase-A..

Submissions (4):

Genomenon, Inc
Classification: Pathogenic for Fabry disease. Last evaluated: 2026-09-08. Review status: criteria provided, single submitter. Criteria: Genomenon Sequence Variant Interpretation Standards - Updated. Collection method: curation. Allele origin: germline. Affected: yes.
Comment: GLA p.Cys52Arg (c.154T>C) is a missense variant that changes the amino acid at codon 52 from Cysteine to Arginine. This variant has been observed in at least one proband with clinical features consistent with Fabry disease (PMID:25974833;8807334;33210402;8931708;28728877;37470867;25468650;20045092). The variant was found to segregate with disease in at least one affected family (PMID:37470867). At least one functional study has demonstrated a substantial alteration in protein function relative to the wild-type (PMID:27657681). This variant is located in a mutational hotspot and/or important functional domain. It is absent or not present at a significant frequency in gnomAD. In silico models predict that this variant is possibly or probably damaging. In conclusion, we classify GLA p.Cys52Arg (c.154T>C) as a pathogenic variant.

Genome-Nilou Lab
Classification: Pathogenic for Fabry disease. Last evaluated: 2021-07-15. Review status: criteria provided, single submitter. Criteria: ACMG Guidelines, 2015. Collection method: clinical testing. Allele origin: germline. Affected: no.

Eurofins Ntd Llc (ga)
Classification: Pathogenic. Last evaluated: 2018-07-10. Review status: criteria provided, single submitter. Criteria: EGL ClinVar v180209 classification definitions. Collection method: clinical testing. Allele origin: germline. Observed: 6 variant alleles, 4 heterozygotes, 2 hemizygotes.

GeneDx
Classification: Pathogenic. Last evaluated: 2017-01-18. Review status: criteria provided, single submitter. Criteria: GeneDx Variant Classification (06012015). Collection method: clinical testing. Allele origin: germline. Affected: yes.
Comment: The C52R pathogenic variant in the GLA gene has been reported in at least one patient diagnosed with Fabry disease (Blanch et al., 1996). In addition, variants in the same codon (C52Y, C52W) have been reported in the literature (Parini et al., 2008; Lukas et al., 2013) and classified as a pathogenic or likely pathogenic based on review of the data in the context of the 2015 ACMG Standards and guidelines for the interpretation of sequence variants (Richards et al., 2015). Other missense variants in the same codon (C52G, C52S) have also been reported in the Human Gene Mutation Database in association with Fabry disease (Stenson et al., 2014). The C52R variant results in a non-conservative amino acid substitution at a position that is conserved across species and is involved in a disulfide bond with another residue in the GLA gene. In silico analysis predicts this variant is probably damaging to the protein structure/function. Finally, the C52R pathogenic variant was not observed in approximately 6,500 individuals of European and African American ancestry in the NHLBI Exome Sequencing Project, indicating it is not a common benign variant in these populations.

Literature cited by the submitters: PubMed 25974833 (cited by Genomenon, Inc and Eurofins Ntd Llc (ga)); PubMed 8807334 (cited by Genomenon, Inc and Eurofins Ntd Llc (ga)); PubMed 33210402 (cited by Genomenon, Inc); PubMed 8931708 (cited by Genomenon, Inc); PubMed 28728877 (cited by Genomenon, Inc); PubMed 37470867 (cited by Genomenon, Inc); PubMed 25468650 (cited by Genomenon, Inc); PubMed 20045092 (cited by Genomenon, Inc); PubMed 27657681 (cited by Genomenon, Inc).

NM_000169.3(GLA):c.154T>C (p.Cys52Arg)

Genes: GLA (galactosidase alpha; minus strand), RPL36A-HNRNPH2 (RPL36A-HNRNPH2 readthrough; plus strand). Cytogenetic location: Xq22.1.
Variant type: single nucleotide variant.
Coding change: c.154T>C on transcript NM_000169.3 (MANE Select); coding-DNA position 154, T replaced by C.
Protein change: p.Cys52Arg; replaces cysteine 52 with arginine.
Molecular consequence: missense variant. On other transcripts: non-coding transcript variant (3), intron variant (2).
Genome position (GRCh38, 1-based): chrX:101,407,750, A>G on the plus strand (T>C on the coding strand, the complement: GLA is on the minus strand). VCF-style: chrX-101407750-A-G. GRCh37 (hg19) VCF-style: chrX-100662738-A-G.
Other names: c.154T>C, p.Cys52Arg (NM_001406747.1, NM_001406748.1, NM_001406749.1); c.301-4186A>G (NM_001199973.2); c.178-4186A>G (NM_001199974.2); short protein forms C52R.
Identifiers: ClinVar variation 381475 (VCV000381475.10), dbSNP rs1057521047, ClinGen allele CA16609111.